The following is an entry in ClinVar:

NM_001378477.3(NYX):c.689T>C (p.Leu230Pro)

Gene: NYX (nyctalopin; plus strand). Cytogenetic location: Xp11.4.
Variant type: single nucleotide variant.
Coding change: c.689T>C on transcript NM_001378477.3 (MANE Select); coding-DNA position 689, T replaced by C.
Protein change: p.Leu230Pro; replaces leucine 230 with proline.
Molecular consequence: missense variant.
Genome position (GRCh38, 1-based): chrX:41,474,157, T>C. VCF-style: chrX-41474157-T-C. GRCh37 (hg19) VCF-style: chrX-41333410-T-C.
Other names: c.689T>C, p.Leu230Pro (NM_022567.3); short protein forms L230P.
Identifiers: ClinVar variation 5039688 (VCV005039688.1).

ClinVar aggregate classification (germline): Uncertain significance (1 of 4 stars; one submission).

Submission:

CeGaT Center for Human Genetics Tuebingen
Classification: Uncertain significance. Last evaluated: 2026-08-01. Review status: criteria provided, single submitter. Criteria: CeGaT Center For Human Genetics Tuebingen Variant Classification Criteria Version 2. Collection method: clinical testing. Allele origin: germline. Affected: yes. Observed: 1 variant allele.
Comment: NYX: PM2, PP3